The following is an entry in ClinVar:

NM_001008537.3(NEXMIF):c.3560T>G (p.Met1187Arg)

Gene: NEXMIF (neurite extension and migration factor; minus strand). Cytogenetic location: Xq13.3.
Variant type: single nucleotide variant.
Coding change: c.3560T>G on transcript NM_001008537.3 (MANE Select); coding-DNA position 3560, T replaced by G.
Protein change: p.Met1187Arg; replaces methionine 1187 with arginine.
Molecular consequence: missense variant.
Genome position (GRCh38, 1-based): chrX:74,740,997, A>C on the plus strand (T>G on the coding strand, the complement: NEXMIF is on the minus strand). VCF-style: chrX-74740997-A-C. GRCh37 (hg19) VCF-style: chrX-73960832-A-C.
Other names: short protein forms M1187R.
Identifiers: ClinVar variation 2785644 (VCV002785644.3), dbSNP rs1258616195, ClinGen allele CA413665434.

ClinVar aggregate classification (germline): Uncertain significance (1 of 4 stars; one submission).

Submission:

Labcorp Genetics (formerly Invitae), Labcorp
Classification: Uncertain significance. Last evaluated: 2023-05-20. Review status: criteria provided, single submitter. Criteria: Invitae Variant Classification Sherloc (09022015). Collection method: clinical testing. Allele origin: germline.
Comment: This sequence change replaces methionine, which is neutral and non-polar, with arginine, which is basic and polar, at codon 1187 of the NEXMIF protein (p.Met1187Arg). This variant is present in population databases (no rsID available, gnomAD 0.004%). This variant has not been reported in the literature in individuals affected with NEXMIF-related conditions. An algorithm developed to predict the effect of missense changes on protein structure and function (PolyPhen-2) suggests that this variant is likely to be tolerated. In summary, the available evidence is currently insufficient to determine the role of this variant in disease. Therefore, it has been classified as a Variant of Uncertain Significance.